The following is an entry in ClinVar:

ClinVar aggregate classification (germline): Conflicting classifications of pathogenicity. Review status: criteria provided, conflicting classifications (1 of 4 stars). 3 submissions from 3 submitters: Likely pathogenic (1); Uncertain significance (2). Last evaluated 2026-09-02.

Conditions:
Inborn genetic diseases. Identifiers: MedGen C0950123, MeSH D030342.
Neuronal ceroid lipofuscinosis 1 (CLN1). Also called: PPT1-Related Neuronal Ceroid-Lipofuscinosis; CEROID LIPOFUSCINOSIS, NEURONAL, 1, VARIABLE AGE AT ONSET. Identifiers: Orphanet 228329, MedGen C1850451, MONDO:0009744, OMIM 256730.

Allele frequency attached by ClinVar (database versions not stated): gnomAD 0.00001; TOPMed 0.00001; gnomAD exomes below 0.00001.
gnomAD v4.1: 2 of 1,614,012 alleles (0.00012%); highest among the groups gnomAD compares: South Asian, 0.0011%; no homozygotes.

Submissions (3):

Ambry Genetics
Classification: Uncertain significance for Inborn genetic diseases. Last evaluated: 2026-09-02. Review status: criteria provided, single submitter. Criteria: Ambry Variant Classification Scheme 2023. Collection method: clinical testing. Allele origin: germline.
Comment: The c.748G>A (p.G250S) alteration is located in exon 8 (coding exon 8) of the PPT1 gene. This alteration results from a G to A substitution at nucleotide position 748, causing the glycine (G) at amino acid position 250 to be replaced by a serine (S). This variant was not reported in population-based cohorts in the Genome Aggregation Database (gnomAD). This amino acid position is highly conserved in available vertebrate species. This alteration is predicted to be deleterious by in silico analysis. Based on insufficient or conflicting evidence, the clinical significance of this alteration remains unclear.

GeneDx
Classification: Uncertain significance. Last evaluated: 2025-04-30. Review status: criteria provided, single submitter. Criteria: GeneDx Variant Classification Process June 2021. Collection method: clinical testing. Allele origin: germline. Affected: yes.
Comment: Not observed at significant frequency in large population cohorts (gnomAD); In silico analysis supports that this missense variant has a deleterious effect on protein structure/function; Has not been previously published as pathogenic or benign to our knowledge

Labcorp Genetics (formerly Invitae), Labcorp
Classification: Likely pathogenic for Neuronal ceroid lipofuscinosis 1. Last evaluated: 2022-08-30. Review status: criteria provided, single submitter. Criteria: Invitae Variant Classification Sherloc (09022015). Collection method: clinical testing. Allele origin: germline.
Comment: This sequence change replaces glycine, which is neutral and non-polar, with serine, which is neutral and polar, at codon 250 of the PPT1 protein (p.Gly250Ser). In summary, the currently available evidence indicates that the variant is pathogenic, but additional data are needed to prove that conclusively. Therefore, this variant has been classified as Likely Pathogenic. This variant disrupts the p.Gly250 amino acid residue in PPT1. Other variant(s) that disrupt this residue have been determined to be pathogenic (PMID: 9664077, 11440996). This suggests that this residue is clinically significant, and that variants that disrupt this residue are likely to be disease-causing. Advanced modeling of protein sequence and biophysical properties (such as structural, functional, and spatial information, amino acid conservation, physicochemical variation, residue mobility, and thermodynamic stability) performed at Invitae indicates that this missense variant is expected to disrupt PPT1 protein function. This variant has not been reported in the literature in individuals affected with PPT1-related conditions. This variant is not present in population databases (gnomAD no frequency).

Literature cited by the submitters: PubMed 9664077 (cited by Labcorp Genetics (formerly Invitae), Labcorp); PubMed 11440996 (cited by Labcorp Genetics (formerly Invitae), Labcorp).

NM_000310.4(PPT1):c.748G>A (p.Gly250Ser)

Gene: PPT1 (palmitoyl-protein thioesterase 1; minus strand). Cytogenetic location: 1p34.2.
Variant type: single nucleotide variant.
Coding change: c.748G>A on transcript NM_000310.4 (MANE Select); coding-DNA position 748, G replaced by A.
Protein change: p.Gly250Ser; replaces glycine 250 with serine.
Molecular consequence: missense variant. On other transcripts: intron variant (1).
Genome position (GRCh38, 1-based): chr1:40,076,892, C>T on the plus strand (G>A on the coding strand, the complement: PPT1 is on the minus strand). VCF-style: chr1-40076892-C-T. GRCh37 (hg19) VCF-style: chr1-40542564-C-T.
Other names: c.439G>A, p.Gly147Ser (NM_001142604.2); c.726+1668G>A (NM_001363695.2); short protein forms G250S, G147S.
Identifiers: ClinVar variation 2027933 (VCV002027933.6), dbSNP rs1648657739, ClinGen allele CA339846460.